The following is an entry in ClinVar:

NC_000022.10:g.(?_30074175)_(30077600_?)del

Gene: NF2 (NF2, moesin-ezrin-radixin like (MERLIN) tumor suppressor; plus strand). Cytogenetic location: 22q12.2.
Variant type: Deletion.
Identifiers: ClinVar variation 2422754 (VCV002422754.8).

ClinVar aggregate classification (germline): Likely pathogenic (1 of 4 stars; one submission).

Conditions:
Neurofibromatosis, type 2 (SWNV). Also called: SCHWANNOMATOSIS, VESTIBULAR; BILATERAL ACOUSTIC NEUROFIBROMATOSIS; NF2-Related Schwannomatosis. Identifiers: Orphanet 637, MedGen C0027832, MONDO:0007039, OMIM 101000. Disease mechanism: loss of function.

Submission:

Labcorp Genetics (formerly Invitae), Labcorp
Classification: Likely pathogenic for Neurofibromatosis, type 2. Last evaluated: 2022-09-19. Review status: criteria provided, single submitter. Criteria: Invitae Variant Classification Sherloc (09022015). Collection method: clinical testing. Allele origin: germline.
Comment: In summary, the currently available evidence indicates that the variant is pathogenic, but additional data are needed to prove that conclusively. Therefore, this variant has been classified as Likely Pathogenic. This variant disrupts the Rev-type nuclear export sequence (NES) of the NF2 protein, which is important for facilitating protein export via the CRM1/exportin pathway (PMID: 12217955). While functional studies have not been performed to directly test the effect of this variant on NF2 protein function, this suggests that disruption of this region of the protein is causative of disease. A similar copy number variant has been observed in individual(s) with neurofibromatosis type 2 (Invitae). This variant is a gross deletion of the genomic region encompassing exon(s) 14-15 of the NF2 gene. This variant would be expected to be in-frame, preserving the integrity of the reading frame.

Literature cited by the submitters: PubMed 12217955.